The following is an entry in ClinVar:

NM_001003800.2(BICD2):c.1975C>G (p.Gln659Glu)

Gene: BICD2 (BICD cargo adaptor 2; minus strand). Cytogenetic location: 9q22.31.
Variant type: single nucleotide variant.
Coding change: c.1975C>G on transcript NM_001003800.2 (MANE Select); coding-DNA position 1975, C replaced by G.
Protein change: p.Gln659Glu; replaces glutamine 659 with glutamic acid.
Molecular consequence: missense variant.
Genome position (GRCh38, 1-based): chr9:92,718,670, G>C on the plus strand (C>G on the coding strand, the complement: BICD2 is on the minus strand). VCF-style: chr9-92718670-G-C. GRCh37 (hg19) VCF-style: chr9-95480952-G-C.
Other names: c.1975C>G (NM_001003800.1); c.1975C>G, p.Gln659Glu (NM_015250.4); short protein forms Q659E.
Identifiers: ClinVar variation 1380435 (VCV001380435.9), dbSNP rs748802657, ClinGen allele CA5126437.

ClinVar aggregate classification (germline): Uncertain significance. Review status: criteria provided, multiple submitters, no conflicts (2 of 4 stars). 2 submissions from 2 submitters: Uncertain significance (2). Last evaluated 2024-03-31.

Conditions:
Autosomal dominant childhood-onset proximal spinal muscular atrophy with contractures (SMALED2A). Also called: SPINAL MUSCULAR ATROPHY, LOWER EXTREMITY-PREDOMINANT, 2A, CHILDHOOD ONSET, AUTOSOMAL DOMINANT; Spinal muscular atrophy, lower extremity-predominant, 2A, autosomal dominant. Identifiers: Orphanet 363447, Orphanet 363454, MedGen C4747715, MONDO:0014121, OMIM 615290.
Inborn genetic diseases. Identifiers: MedGen C0950123, MeSH D030342.

Allele frequency attached by ClinVar (database versions not stated): gnomAD exomes 0.00001 and below 0.00001; ExAC 0.00001.
gnomAD v4.1: 3 of 1,614,102 alleles (0.00019%); highest among the groups gnomAD compares: Non-Finnish European, 0.00025%; no homozygotes.

Submissions (2):

Ambry Genetics
Classification: Uncertain significance for Inborn genetic diseases. Last evaluated: 2024-03-31. Review status: criteria provided, single submitter. Criteria: Ambry Variant Classification Scheme 2023. Collection method: clinical testing. Allele origin: germline.

Labcorp Genetics (formerly Invitae), Labcorp
Classification: Uncertain significance for Autosomal dominant childhood-onset proximal spinal muscular atrophy with contractures. Last evaluated: 2023-08-10. Review status: criteria provided, single submitter. Criteria: Invitae Variant Classification Sherloc (09022015). Collection method: clinical testing. Allele origin: germline.
Comment: In summary, the available evidence is currently insufficient to determine the role of this variant in disease. Therefore, it has been classified as a Variant of Uncertain Significance. Advanced modeling of protein sequence and biophysical properties (such as structural, functional, and spatial information, amino acid conservation, physicochemical variation, residue mobility, and thermodynamic stability) performed at Invitae indicates that this missense variant is not expected to disrupt BICD2 protein function. ClinVar contains an entry for this variant (Variation ID: 1380435). This variant has not been reported in the literature in individuals affected with BICD2-related conditions. This variant is present in population databases (rs748802657, gnomAD 0.002%). This sequence change replaces glutamine, which is neutral and polar, with glutamic acid, which is acidic and polar, at codon 659 of the BICD2 protein (p.Gln659Glu).